The following is an entry in ClinVar:

ClinVar aggregate classification (germline): Pathogenic/Likely pathogenic. Review status: criteria provided, multiple submitters, no conflicts (2 of 4 stars). 11 submissions from 11 submitters: Pathogenic (7); Likely pathogenic (3). 1 of the submissions does not count toward it. Last evaluated 2026-08-06.

Conditions:
GALK1-related disorder. Also called: GALK1-related condition.
Deficiency of galactokinase. Also called: Galactokinase deficiency with cataracts; GALACTOSEMIA II. Identifiers: Orphanet 352, Orphanet 79237, MedGen C0268155, MONDO:0009255, OMIM 230200.

Allele frequency attached by ClinVar (database versions not stated): gnomAD exomes 0.00020 and 0.00015; ExAC 0.00022; ESP Exome Variant Server 0.00008; TOPMed 0.00009; gnomAD 0.00010 and 0.00011; 1000 Genomes Project 30x 0.00016; 1000 Genomes Project 0.00020.
gnomAD v4.1: 240 of 1,613,786 alleles (0.015%); highest among the groups gnomAD compares: South Asian, 0.099%; no homozygotes.

Submissions (11):

OLLIN Analises Genomicas, OLLIN
Classification: Likely pathogenic for Deficiency of galactokinase. Last evaluated: 2026-08-06. Review status: criteria provided, single submitter. Criteria: ACMG Guidelines 2015 PMID 25741868. Collection method: clinical testing. Allele origin: germline.
Comment: This missense variant, located in exon 5 (of 8), has been reported in ClinVar (accession VCV000646613.20) and in gnomAD with an allele frequency of 0.015%. However, to our knowledge, it has not been reported in the scientific literature. Functional studies suggest that this variant may affect protein function, and in silico analysis predicts a deleterious effect. According to the currently available evidence, this variant has been classified as likely pathogenic (PP3_M, PS3_P, PM3, PP1).

Dasa
Classification: Pathogenic. Last evaluated: 2026-04-01. Review status: criteria provided, single submitter. Criteria: DASA Assertion Criteria. Collection method: clinical testing. Allele origin: germline.
Comment: NM_000154.2(GALK1):c.766C>T (p.Arg256Trp) is a missense variant that results in the substitution of arginine with tryptophan. Functional evidence supports a deleterious effect on the gene or gene product (PMID: 10570908; PMID: 28418495; PMID: 17517531). This variant has been recurrently observed in individuals with related phenotype (PMID: 10570908; PMID: 28418495; PMID: 17517531). Segregation evidence has been reported in affected families. Multiple computational predictions support a deleterious effect on the gene or gene product. The variant is present at low frequency in population datasets. Based on the available data, this variant is classified as pathogenic.

Labcorp Genetics (formerly Invitae), Labcorp
Classification: Pathogenic for Deficiency of galactokinase. Last evaluated: 2026-02-04. Review status: criteria provided, single submitter. Criteria: Invitae Variant Classification Sherloc (09022015). Collection method: clinical testing. Allele origin: germline.
Comment: This sequence change replaces arginine, which is basic and polar, with tryptophan, which is neutral and slightly polar, at codon 256 of the GALK1 protein (p.Arg256Trp). This variant is present in population databases (rs376790302, gnomAD 0.09%). This missense change has been observed in individuals with clinical features of galactosemia (PMID: 10570908, 17517531, 28418495). It has also been observed to segregate with disease in related individuals. ClinVar contains an entry for this variant (Variation ID: 646613). Invitae Evidence Modeling of protein sequence and biophysical properties (such as structural, functional, and spatial information, amino acid conservation, physicochemical variation, residue mobility, and thermodynamic stability) indicates that this missense variant is expected to disrupt GALK1 protein function with a positive predictive value of 80%. Experimental studies have shown that this missense change affects GALK1 function (PMID: 10570908, 17517531). For these reasons, this variant has been classified as Pathogenic.

PreventionGenetics, part of Exact Sciences
Classification: Pathogenic for GALK1-related condition. Last evaluated: 2025-09-09. Review status: criteria provided, single submitter. Criteria: ACMG Guidelines, 2015. Collection method: clinical testing. Allele origin: germline.
Comment: The GALK1 c.766C>T variant is predicted to result in the amino acid substitution p.Arg256Trp. This variant has been reported, in both the homozygous and compound heterozygous states, to be causative for galactosemia type II (Asada et al. 1999. PubMed ID: 10570908; Park et al. 2007. PubMed ID: 17517531; Garcia et al. 2016. PubMed ID: 27176039). Functional studies showed that the p.Arg256Trp variant results in a decrease in GALK protein activity relative to the wild-type protein (Asada et al. 1999. PubMed ID: 10570908; Park et al. 2007. PubMed ID: 17517531). This variant is reported in 0.095% of alleles in individuals of South Asian descent in gnomAD. Taken together, this variant is interpreted as pathogenic.

Blueprint Genetics
Classification: Pathogenic for GALK1-related disorders. Last evaluated: 2024-11-19. Review status: criteria provided, single submitter. Criteria: ACMG Guidelines, 2015. Collection method: clinical testing. Allele origin: germline. Affected: yes. Observed: 5 variant alleles.

Women's Health and Genetics/Laboratory Corporation of America, LabCorp
Classification: Pathogenic for Deficiency of galactokinase. Last evaluated: 2024-08-16. Review status: criteria provided, single submitter. Criteria: LabCorp Variant Classification Summary - May 2015. Collection method: clinical testing. Allele origin: germline.
Comment: Variant summary: GALK1 c.766C>T (p.Arg256Trp) results in a non-conservative amino acid change in the encoded protein sequence. Five of five in-silico tools predict a damaging effect of the variant on protein function. The variant allele was found at a frequency of 0.0002 in 250958 control chromosomes. This frequency is not significantly higher than estimated for a pathogenic variant in GALK1 causing Deficiency Of Galactokinase (0.0002 vs 0.0011), allowing no conclusion about variant significance. c.766C>T has been reported in the literature in compound heterozygous or homozygous individuals affected with Deficiency Of Galactokinase (e.g. Asada_1999, Chen_2017). These data indicate that the variant is very likely to be associated with disease. At least one publication reports experimental evidence evaluating an impact on protein function. The most pronounced variant effect results in <10% of normal enzyme activity in vitro (e.g. Asada_1999). The following publications have been ascertained in the context of this evaluation (PMID: 10570908, 28418495). ClinVar contains an entry for this variant (Variation ID: 646613). Based on the evidence outlined above, the variant was classified as pathogenic.

Fulgent Genetics
Classification: Pathogenic for Deficiency of galactokinase. Last evaluated: 2024-04-24. Review status: criteria provided, single submitter. Criteria: ACMG Guidelines, 2015. Collection method: clinical testing. Allele origin: germline.

Genomic Medicine Center of Excellence, King Faisal Specialist Hospital and Research Centre
Classification: Likely pathogenic for Deficiency of galactokinase. Last evaluated: 2024-04-04. Review status: criteria provided, single submitter. Criteria: ACMG Guidelines, 2015. Collection method: clinical testing. Allele origin: germline.

Department of Pathology and Laboratory Medicine, Sinai Health System
Classification: Likely pathogenic for Deficiency of galactokinase. Last evaluated: 2022-09-19. Review status: criteria provided, single submitter. Criteria: ACMG Guidelines, 2015. Collection method: research. Allele origin: germline.

Revvity Omics, Revvity
Classification: Pathogenic for Deficiency of galactokinase. Last evaluated: 2020-12-18. Review status: criteria provided, single submitter. Criteria: ACMG Guidelines, 2015. Collection method: clinical testing. Allele origin: germline.

Natera, Inc.
Classification: Pathogenic for Deficiency of galactokinase. Last evaluated: 2020-09-16. Review status: no assertion criteria provided. Collection method: clinical testing. Allele origin: germline. Not counted in ClinVar's aggregate classification.

Literature cited by the submitters: PubMed 10570908 (cited by 3 submitters); PubMed 28418495 (cited by 3 submitters); PubMed 17517531 (cited by Dasa and Labcorp Genetics (formerly Invitae), Labcorp).

NM_000154.2(GALK1):c.766C>T (p.Arg256Trp)

Gene: GALK1 (galactokinase 1; minus strand). Cytogenetic location: 17q25.1.
Variant type: single nucleotide variant.
Coding change: c.766C>T on transcript NM_000154.2 (MANE Select); coding-DNA position 766, C replaced by T.
Protein change: p.Arg256Trp; replaces arginine 256 with tryptophan.
Molecular consequence: missense variant.
Genome position (GRCh38, 1-based): chr17:75,762,731, G>A on the plus strand (C>T on the coding strand, the complement: GALK1 is on the minus strand). VCF-style: chr17-75762731-G-A. GRCh37 (hg19) VCF-style: chr17-73758812-G-A.
Other names: short protein forms R256W.
Identifiers: ClinVar variation 646613 (VCV000646613.23), dbSNP rs376790302, ClinGen allele CA8770838.
Genomic context (GRCh38, chr17:75,762,731, plus strand): 5'-GCCTCCAGGATAGAGCACCCTGGCAGTTCTCACCCTCTAGCTCTTCCAGTTGTACCTCCC[G>A]GAGGCTTTCCTTGCCCAGCGCCCGGGCCACTTCTTCACATTGGCGCCGCCGCACAGGGTA-3'
Protein context (NP_000145.1, residues 246-266): VARALGKESL[Arg256Trp]EVQLEELEAA